The following is an entry in ClinVar:

ClinVar aggregate classification (germline): Likely benign. Review status: criteria provided, single submitter (1 of 4 stars). 2 submissions from 2 submitters: Likely benign (1). 1 of the submissions does not count toward it. Last evaluated 2026-08-01.

Conditions:
NEUROD2-related disorder. Also called: NEUROD2-related condition.

Allele frequency attached by ClinVar (database versions not stated): 1000 Genomes Project 0.00100; 1000 Genomes Project 30x 0.00125; ESP Exome Variant Server 0.00280; TOPMed 0.00310; gnomAD exomes 0.00402; gnomAD 0.00528; ExAC 0.00553.

Submissions (2):

CeGaT Center for Human Genetics Tuebingen
Classification: Likely benign. Last evaluated: 2026-08-01. Review status: criteria provided, single submitter. Criteria: CeGaT Center For Human Genetics Tuebingen Variant Classification Criteria Version 2. Collection method: clinical testing. Allele origin: germline. Affected: yes. Observed: 57 variant alleles.
Comment: NEUROD2: BP4, BP7, BS2

PreventionGenetics, part of Exact Sciences
Classification: Benign for NEUROD2-related condition. Last evaluated: 2019-11-26. Review status: no assertion criteria provided. Collection method: clinical testing. Allele origin: germline. Not counted in ClinVar's aggregate classification.
Comment: This variant is classified as benign based on ACMG/AMP sequence variant interpretation guidelines (Richards et al. 2015 PMID: 25741868, with internal and published modifications).

NM_006160.4(NEUROD2):c.198G>A (p.Thr66=)

Gene: NEUROD2 (neuronal differentiation 2; minus strand). Cytogenetic location: 17q12.
Variant type: single nucleotide variant.
Coding change: c.198G>A on transcript NM_006160.4 (MANE Select); coding-DNA position 198, G replaced by A.
Protein change: p.Thr66=; no amino-acid change (threonine 66 retained).
Molecular consequence: synonymous variant.
Genome position (GRCh38, 1-based): chr17:39,606,402, C>T on the plus strand (G>A on the coding strand, the complement: NEUROD2 is on the minus strand). VCF-style: chr17-39606402-C-T. GRCh37 (hg19) VCF-style: chr17-37762655-C-T.
Other names: c.198G>A (NM_006160.3).
Identifiers: ClinVar variation 1694841 (VCV001694841.32), dbSNP rs112207563, ClinGen allele CA8531854.